The following is an entry in ClinVar:

NM_022168.4(IFIH1):c.2569G>C (p.Ala857Pro)

Gene: IFIH1 (interferon induced with helicase C domain 1; minus strand). Cytogenetic location: 2q24.2.
Variant type: single nucleotide variant.
Coding change: c.2569G>C on transcript NM_022168.4 (MANE Select); coding-DNA position 2569, G replaced by C.
Protein change: p.Ala857Pro; replaces alanine 857 with proline.
Molecular consequence: missense variant.
Genome position (GRCh38, 1-based): chr2:162,272,273, C>G on the plus strand (G>C on the coding strand, the complement: IFIH1 is on the minus strand). VCF-style: chr2-162272273-C-G. GRCh37 (hg19) VCF-style: chr2-163128783-C-G.
Other names: short protein forms A857P.
Identifiers: ClinVar variation 2111202 (VCV002111202.4), dbSNP rs768238624, ClinGen allele CA348994047.

ClinVar aggregate classification (germline): Uncertain significance (1 of 4 stars; one submission).

Conditions:
Singleton-Merten syndrome 1 (SGMRT1). Also called: Widened medullary cavities of bone, aortic calcification, abnormal dentition, and muscular weakness; Syndrome of widened medullary cavities of the metacarpals and phalanges, aortic calcification and abnormal dentition. Identifiers: Orphanet 85191, MedGen C4225427, MONDO:0024535, OMIM 182250.
Aicardi-Goutieres syndrome 7 (AGS7). Identifiers: Orphanet 51, MedGen C3888244, MONDO:0014367, OMIM 615846.

Submission:

Labcorp Genetics (formerly Invitae), Labcorp
Classification: Uncertain significance for Aicardi-Goutieres syndrome 7; Singleton-Merten syndrome 1. Last evaluated: 2022-06-24. Review status: criteria provided, single submitter. Criteria: Invitae Variant Classification Sherloc (09022015). Collection method: clinical testing. Allele origin: germline.
Comment: This sequence change replaces alanine, which is neutral and non-polar, with proline, which is neutral and non-polar, at codon 857 of the IFIH1 protein (p.Ala857Pro). This variant is not present in population databases (gnomAD no frequency). This variant has not been reported in the literature in individuals affected with IFIH1-related conditions. Algorithms developed to predict the effect of missense changes on protein structure and function are either unavailable or do not agree on the potential impact of this missense change (SIFT: "Tolerated"; PolyPhen-2: "Probably Damaging"; Align-GVGD: "Class C0"). In summary, the available evidence is currently insufficient to determine the role of this variant in disease. Therefore, it has been classified as a Variant of Uncertain Significance.